The following is an entry in ClinVar:

ClinVar aggregate classification (germline): Pathogenic/Likely pathogenic. Review status: criteria provided, multiple submitters, no conflicts (2 of 4 stars). 4 submissions from 4 submitters: Pathogenic (1); Likely pathogenic (2). 1 of the submissions does not count toward it. Last evaluated 2024-08-12.

Conditions:
ABCC6-related disorder. Also called: ABCC6-related condition.
Autosomal recessive inherited pseudoxanthoma elasticum (PXE). Identifiers: Orphanet 758, MedGen CN032334, MONDO:0009925, OMIM 264800.

Allele frequency attached by ClinVar (database versions not stated): gnomAD exomes 0.00002 and 0.00003; ExAC 0.00007.
gnomAD v4.1: 23 of 1,613,876 alleles (0.0014%); highest among the groups gnomAD compares: Non-Finnish European, 0.0019%; no homozygotes.

Submissions (4):

Johns Hopkins Genomics, Johns Hopkins University
Classification: Likely pathogenic for Autosomal recessive inherited pseudoxanthoma elasticum. Last evaluated: 2024-08-12. Review status: criteria provided, single submitter. Criteria: ACMG Guidelines, 2015. Collection method: clinical testing. Allele origin: germline.
Comment: This ABCC6 missense variant has been reported in the literature in patients with pseudoxanthoma elasticum and has also been identified in association with generalized arterial calcification of infancy (internal data). Two computational tools predict that this variant results in abnormal gene splicing, although this has not been confirmed experimentally to or knowledge. This variant (rs281865557) is rare (<0.1%) in a large population dataset (gnomAD v4.1.0: 23/1613876 total alleles; 0.0014%; no homozygotes) and has an entry in ClinVar (Variation ID 433327). We consider c.3735G>T in ABCC6 to be likely pathogenic.

Clinical Genetics Laboratory, Skane University Hospital Lund
Classification: Likely pathogenic. Last evaluated: 2024-01-22. Review status: criteria provided, single submitter. Criteria: ACMG Guidelines, 2015. Collection method: clinical testing. Allele origin: germline. Affected: yes.

Blueprint Genetics
Classification: Pathogenic for ABCC6-related disorders. Last evaluated: 2022-04-05. Review status: criteria provided, single submitter. Criteria: ACMG Guidelines, 2015. Collection method: clinical testing. Allele origin: germline. Affected: yes. Observed: 4 variant alleles.

PXE International
Classification: Pathogenic for Autosomal recessive inherited pseudoxanthoma elasticum. Last evaluated: 2021-03-01. Review status: no assertion criteria provided. Collection method: research. Allele origin: germline. Inheritance: Autosomal recessive inheritance. Affected: yes. Not counted in ClinVar's aggregate classification.

Literature cited by the submitters: PubMed 16086317 (cited by Johns Hopkins Genomics, Johns Hopkins University and PXE International); PubMed 32873932 (cited by Johns Hopkins Genomics, Johns Hopkins University and PXE International).

NM_001171.6(ABCC6):c.3735G>T (p.Glu1245Asp)

Gene: ABCC6 (ATP binding cassette subfamily C member 6; minus strand). Cytogenetic location: 16p13.11.
Variant type: single nucleotide variant.
Coding change: c.3735G>T on transcript NM_001171.6 (MANE Select); coding-DNA position 3735, G replaced by T.
Protein change: p.Glu1245Asp; replaces glutamic acid 1245 with aspartic acid.
Molecular consequence: missense variant. On other transcripts: non-coding transcript variant (1).
Genome position (GRCh38, 1-based): chr16:16,159,482, C>A on the plus strand (G>T on the coding strand, the complement: ABCC6 is on the minus strand). VCF-style: chr16-16159482-C-A. GRCh37 (hg19) VCF-style: chr16-16253339-C-A.
Other names: c.3393G>T, p.Glu1131Asp (NM_001351800.1); short protein forms E1245D, E1131D.
Identifiers: ClinVar variation 433327 (VCV000433327.6), dbSNP rs281865557, ClinGen allele CA7925475.